The following is an entry in ClinVar:

ClinVar aggregate classification (germline): Uncertain significance. Review status: criteria provided, multiple submitters, no conflicts (2 of 4 stars). 2 submissions from 2 submitters: Uncertain significance (2). Last evaluated 2025-12-05.

gnomAD v4.1: 6 of 1,613,950 alleles (0.00037%); highest among the groups gnomAD compares: East Asian, 0.013%; no homozygotes.

Submissions (2):

Labcorp Genetics (formerly Invitae), Labcorp
Classification: Uncertain significance. Last evaluated: 2025-12-05. Review status: criteria provided, single submitter. Criteria: Invitae Variant Classification Sherloc (09022015). Collection method: clinical testing. Allele origin: germline.
Comment: This sequence change replaces arginine, which is basic and polar, with leucine, which is neutral and non-polar, at codon 324 of the SRP72 protein (p.Arg324Leu). This variant is present in population databases (rs149517121, gnomAD 0.02%). This variant has not been reported in the literature in individuals affected with SRP72-related conditions. ClinVar contains an entry for this variant (Variation ID: 3900114). Invitae Evidence Modeling of protein sequence and biophysical properties (such as structural, functional, and spatial information, amino acid conservation, physicochemical variation, residue mobility, and thermodynamic stability) indicates that this missense variant is not expected to disrupt SRP72 protein function with a negative predictive value of 80%. In summary, the available evidence is currently insufficient to determine the role of this variant in disease. Therefore, it has been classified as a Variant of Uncertain Significance.

GeneDx
Classification: Uncertain significance. Last evaluated: 2024-11-22. Review status: criteria provided, single submitter. Criteria: GeneDx Variant Classification Process June 2021. Collection method: clinical testing. Allele origin: germline. Affected: yes.
Comment: Not observed at significant frequency in large population cohorts (gnomAD); In silico analysis supports that this missense variant has a deleterious effect on protein structure/function; Has not been previously published as pathogenic or benign to our knowledge

NM_006947.4(SRP72):c.971G>T (p.Arg324Leu)

Gene: SRP72 (signal recognition particle 72; plus strand). Cytogenetic location: 4q12.
Variant type: single nucleotide variant.
Coding change: c.971G>T on transcript NM_006947.4 (MANE Select); coding-DNA position 971, G replaced by T.
Protein change: p.Arg324Leu; replaces arginine 324 with leucine.
Molecular consequence: missense variant. On other transcripts: non-coding transcript variant (1).
Genome position (GRCh38, 1-based): chr4:56,484,749, G>T. VCF-style: chr4-56484749-G-T. GRCh37 (hg19) VCF-style: chr4-57350915-G-T.
Other names: c.788G>T, p.Arg263Leu (NM_001267722.2); short protein forms R263L, R324L.
Identifiers: ClinVar variation 3900114 (VCV003900114.2).
Genomic context (GRCh38, chr4:56,484,749, plus strand): 5'-TTTCATTAACCAGTTTATTTTTCTTGTGGGGGTTGGATATCTTCTAGGCTGAACAATGCC[G>T]CAAAATATCTGCCAGTTTACAGTCCCAAAGTCCCGAGCATCTCTTACCTGTGTTAATCCA-3'
Protein context (NP_008878.3, residues 314-334): AMYTNQAEQC[Arg324Leu]KISASLQSQS